The following is an entry in ClinVar:

NM_016026.4(RDH11):c.345A>C (p.Leu115Phe)

Genes: GPHN (gephyrin; plus strand), RDH11 (retinol dehydrogenase 11; minus strand). Cytogenetic location: 14q24.1.
Variant type: single nucleotide variant.
Coding change: c.345A>C on transcript NM_016026.4 (MANE Select); coding-DNA position 345, A replaced by C.
Protein change: p.Leu115Phe; replaces leucine 115 with phenylalanine.
Molecular consequence: missense variant.
Genome position (GRCh38, 1-based): chr14:67,692,442, T>G on the plus strand (A>C on the coding strand, the complement: RDH11 is on the minus strand). VCF-style: chr14-67692442-T-G. GRCh37 (hg19) VCF-style: chr14-68159159-T-G.
Other names: c.345A>C, p.Leu115Phe (NM_001252650.2); short protein forms L115F.
Identifiers: ClinVar variation 1352168 (VCV001352168.7), dbSNP rs1421621405, ClinGen allele CA390136489.

ClinVar aggregate classification (germline): Uncertain significance (1 of 4 stars; one submission).

Allele frequency attached by ClinVar (database versions not stated): gnomAD exomes below 0.00001; gnomAD 0.00001; TOPMed 0.00001.
gnomAD v4.1: 5 of 1,614,052 alleles (0.00031%); highest among the groups gnomAD compares: Non-Finnish European, 0.00034%; no homozygotes.

Submission:

Labcorp Genetics (formerly Invitae), Labcorp
Classification: Uncertain significance. Last evaluated: 2020-11-28. Review status: criteria provided, single submitter. Criteria: Invitae Variant Classification Sherloc (09022015). Collection method: clinical testing. Allele origin: germline.
Comment: This sequence change replaces leucine with phenylalanine at codon 115 of the RDH11 protein (p.Leu115Phe). The leucine residue is moderately conserved and there is a small physicochemical difference between leucine and phenylalanine. This variant is not present in population databases (ExAC no frequency). This variant has not been reported in the literature in individuals with RDH11-related conditions. Algorithms developed to predict the effect of missense changes on protein structure and function are either unavailable or do not agree on the potential impact of this missense change (SIFT: "Tolerated"; PolyPhen-2: "Probably Damaging"; Align-GVGD: "Class C0"). In summary, the available evidence is currently insufficient to determine the role of this variant in disease. Therefore, it has been classified as a Variant of Uncertain Significance.